The following is an entry in ClinVar:

NM_000493.4(COL10A1):c.1457A>G (p.Asn486Ser)

Genes: COL10A1 (collagen type X alpha 1 chain; minus strand), NT5DC1 (5'-nucleotidase domain containing 1; plus strand). Cytogenetic location: 6q22.1.
Variant type: single nucleotide variant.
Coding change: c.1457A>G on transcript NM_000493.4 (MANE Select); coding-DNA position 1457, A replaced by G.
Protein change: p.Asn486Ser; replaces asparagine 486 with serine.
Molecular consequence: missense variant. On other transcripts: intron variant (1).
Genome position (GRCh38, 1-based): chr6:116,120,659, T>C on the plus strand (A>G on the coding strand, the complement: COL10A1 is on the minus strand). VCF-style: chr6-116120659-T-C. GRCh37 (hg19) VCF-style: chr6-116441822-T-C.
Other names: c.1457A>G, p.Asn486Ser (NM_001424106.1, NM_001424107.1); c.529+2714T>C (NM_152729.3); short protein forms N486S.
Identifiers: ClinVar variation 1519991 (VCV001519991.8), dbSNP rs1295071807, ClinGen allele CA365388025.

ClinVar aggregate classification (germline): Uncertain significance (1 of 4 stars; one submission).

Allele frequency attached by ClinVar (database versions not stated): TOPMed below 0.00001; gnomAD 0.00001; gnomAD exomes 0.00001.
gnomAD v4.1: 8 of 1,546,330 alleles (0.00052%); highest among the groups gnomAD compares: Admixed American, 0.0021%; no homozygotes.

Submission:

Labcorp Genetics (formerly Invitae), Labcorp
Classification: Uncertain significance. Last evaluated: 2022-07-06. Review status: criteria provided, single submitter. Criteria: Invitae Variant Classification Sherloc (09022015). Collection method: clinical testing. Allele origin: germline.
Comment: In summary, the available evidence is currently insufficient to determine the role of this variant in disease. Therefore, it has been classified as a Variant of Uncertain Significance. Algorithms developed to predict the effect of missense changes on protein structure and function output the following: SIFT: "Tolerated"; PolyPhen-2: "Not Available"; Align-GVGD: "Class C0". The serine amino acid residue is found in multiple mammalian species, which suggests that this missense change does not adversely affect protein function. ClinVar contains an entry for this variant (Variation ID: 1519991). This variant has not been reported in the literature in individuals affected with COL10A1-related conditions. This variant is present in population databases (no rsID available, gnomAD 0.007%). This sequence change replaces asparagine, which is neutral and polar, with serine, which is neutral and polar, at codon 486 of the COL10A1 protein (p.Asn486Ser).